The following is an entry in ClinVar:

ClinVar aggregate classification (germline): Uncertain significance (1 of 4 stars; one submission).

Conditions:
Hereditary cancer-predisposing syndrome. Also called: Neoplastic Syndromes, Hereditary; Tumor predisposition; Hereditary neoplastic syndrome; Hereditary Cancer Syndrome. Identifiers: Orphanet 140162, MedGen C0027672, MeSH D009386, MONDO:0015356.

Submission:

Ambry Genetics
Classification: Uncertain significance for Hereditary cancer-predisposing syndrome. Last evaluated: 2026-09-10. Review status: criteria provided, single submitter. Criteria: Ambry Variant Classification Scheme 2023. Collection method: clinical testing. Allele origin: germline.
Comment: The p.L2465H variant (also known as c.7394T>A), located in coding exon 15 of the APC gene, results from a T to A substitution at nucleotide position 7394. The leucine at codon 2465 is replaced by histidine, an amino acid with similar properties. This amino acid position is conserved. In addition, in silico predictors for this gene do not accurately predict pathogenicity. Based on the available evidence, the clinical significance of this variant remains unclear.

NM_000038.6(APC):c.7394T>A (p.Leu2465His)

Gene: APC (APC regulator of Wnt signaling pathway; plus strand). Cytogenetic location: 5q22.2.
Variant type: single nucleotide variant.
Coding change: c.7394T>A on transcript NM_000038.6 (MANE Select); coding-DNA position 7394, T replaced by A.
Protein change: p.Leu2465His; replaces leucine 2465 with histidine.
Molecular consequence: missense variant. On other transcripts: non-coding transcript variant (2).
Genome position (GRCh38, 1-based): chr5:112,842,988, T>A. VCF-style: chr5-112842988-T-A. GRCh37 (hg19) VCF-style: chr5-112178685-T-A.
Other names: c.7394T>A, p.Leu2465His (NM_001127510.3, NM_001354895.2, NM_001407450.1); c.7340T>A, p.Leu2447His (NM_001127511.3); c.7448T>A, p.Leu2483His (NM_001354896.2, NM_001407447.1, NM_001407448.1 and 1 more transcripts); c.7424T>A, p.Leu2475His (NM_001354897.2); c.7319T>A, p.Leu2440His (NM_001354898.2); c.7310T>A, p.Leu2437His (NM_001354899.2); c.7271T>A, p.Leu2424His (NM_001354900.2); c.7217T>A, p.Leu2406His (NM_001354901.2, NM_001407453.1); and 11 more; short protein forms L2081H, L2339H, L2374H, L2424H, L2437H, L2465H, L2336H, L2364H.
Identifiers: ClinVar variation 5026169 (VCV005026169.1).